The following is an entry in ClinVar:

ClinVar aggregate classification (germline): Uncertain significance (1 of 4 stars; one submission).

Submission:

Ambry Genetics
Classification: Uncertain significance. Last evaluated: 2025-05-26. Review status: criteria provided, single submitter. Criteria: Ambry Variant Classification Scheme 2023. Collection method: clinical testing. Allele origin: germline.
Comment: The p.Y393H variant (also known as c.1177T>C), located in coding exon 9 of the RINT1 gene, results from a T to C substitution at nucleotide position 1177. The tyrosine at codon 393 is replaced by histidine, an amino acid with similar properties. This amino acid position is conserved. In addition, the in silico prediction for this alteration is inconclusive. Based on the available evidence, the clinical significance of this variant remains unclear.

NM_021930.6(RINT1):c.1177T>C (p.Tyr393His)

Gene: RINT1 (RAD50 interactor 1; plus strand). Cytogenetic location: 7q22.3.
Variant type: single nucleotide variant.
Coding change: c.1177T>C on transcript NM_021930.6 (MANE Select); coding-DNA position 1177, T replaced by C.
Protein change: p.Tyr393His; replaces tyrosine 393 with histidine.
Molecular consequence: missense variant. On other transcripts: non-coding transcript variant (1).
Genome position (GRCh38, 1-based): chr7:105,550,330, T>C. VCF-style: chr7-105550330-T-C. GRCh37 (hg19) VCF-style: chr7-105190777-T-C.
Other names: c.943T>C, p.Tyr315His (NM_001346599.2); c.154T>C, p.Tyr52His (NM_001346600.2, NM_001346603.2); c.253T>C, p.Tyr85His (NM_001346601.2); short protein forms Y315H, Y85H, Y393H, Y52H.
Identifiers: ClinVar variation 3946010 (VCV003946010.1).
Genomic context (GRCh38, chr7:105,550,330, plus strand): 5'-TCTCGGGGCCTTATGATGCTGGTTCTTGAGAAGTTAGCCACTGATATTCCTTGTCTGCTA[T>C]ATGATGACAATCTCTTCTGTCATTTGGTGGATGAAGTACTCTTGTTTGAAAGGGAGCTAC-3'
Protein context (NP_068749.3, residues 383-403): KLATDIPCLL[Tyr393His]DDNLFCHLVD